The following is an entry in ClinVar:

NM_000530.8(MPZ):c.475G>A (p.Gly159Arg)

Gene: MPZ (myelin protein zero; minus strand). Cytogenetic location: 1q23.3.
Variant type: single nucleotide variant.
Coding change: c.475G>A on transcript NM_000530.8 (MANE Select); coding-DNA position 475, G replaced by A.
Protein change: p.Gly159Arg; replaces glycine 159 with arginine.
Molecular consequence: missense variant.
Genome position (GRCh38, 1-based): chr1:161,306,438, C>T on the plus strand (G>A on the coding strand, the complement: MPZ is on the minus strand). VCF-style: chr1-161306438-C-T. GRCh37 (hg19) VCF-style: chr1-161276228-C-T.
Other names: c.475G>A, p.Gly159Arg (NM_001315491.2); short protein forms G159R.
Identifiers: ClinVar variation 4853963 (VCV004853963.1).

ClinVar aggregate classification (germline): Uncertain significance (1 of 4 stars; one submission).

Conditions:
MPZ-related disorder. Also called: MPZ-related condition; MPZ-related disorders.

Submission:

3billion
Classification: Uncertain significance for MPZ-related disorder. Last evaluated: 2026-01-21. Review status: criteria provided, single submitter. Criteria: ACMG Guidelines, 2015. Collection method: clinical testing. Allele origin: germline. Affected: yes.
Comment: The variant is observed at an extremely low frequency in the gnomAD v4.1.0 dataset (total allele frequency: <0.001%). Predicted Consequence/Location: Missense variant In silico tool predictions suggest damaging effect of the variant on gene or gene product [REVEL: 0.78 (>=0.6, sensitivity 0.68 and specificity 0.92); 3Cnet: 0.99 (> 0.75, sensitivity 0.96 and precision 0.92)]. Therefore, this variant is classified as VUS according to the recommendation of ACMG/AMP guideline.